The following is an entry in ClinVar:

NM_130839.5(UBE3A):c.582A>G (p.Ala194=)

Genes: SNHG14 (small nucleolar RNA host gene 14; plus strand), UBE3A (ubiquitin protein ligase E3A; minus strand). Cytogenetic location: 15q11.2.
Variant type: single nucleotide variant.
Coding change: c.582A>G on transcript NM_130839.5 (MANE Select); coding-DNA position 582, A replaced by G.
Protein change: p.Ala194=; no amino-acid change (alanine 194 retained).
Molecular consequence: synonymous variant. On other transcripts: non-coding transcript variant (1), intron variant (2).
Genome position (GRCh38, 1-based): chr15:25,371,592, T>C on the plus strand (A>G on the coding strand, the complement: UBE3A is on the minus strand). VCF-style: chr15-25371592-T-C. GRCh37 (hg19) VCF-style: chr15-25616739-T-C.
Other names: NM_130839.5(UBE3A):c.582A>G; p.Ala194=; c.591A>G, p.Ala197= (NM_000462.5); c.582A>G, p.Ala194= (NM_001354505.1, NM_001354538.2, NM_001354545.2); c.522A>G, p.Ala174= (NM_001354506.2, NM_001354507.2, NM_001354508.2 and 17 more transcripts); c.405A>G, p.Ala135= (NM_001354546.2); c.301+3873A>G (NM_001354551.2); c.361+3873A>G (NM_001354550.2).
Identifiers: ClinVar variation 500854 (VCV000500854.18), dbSNP rs764101035, ClinGen allele CA7435619.
Genomic context (GRCh38, chr15:25,371,592, plus strand): 5'-GCTATCACCTATCCTTGAGGAAGATGCTTCTGAGTCTTCTTCCATAGCAGCAGCAGAACA[T>C]GCAGCTTTTTCCTTTTCATCTTCATCTTTGTCTTCATCTTTTGCTTGAAGAGATTTCAGT-3'
Protein context (NP_570854.1, residues 184-204): DKDEDEKEKA[Ala194=]CSAAAMEEDS

ClinVar aggregate classification (germline): Likely benign. Review status: reviewed by expert panel (3 of 4 stars). 6 submissions from 6 submitters: Likely benign (1). 5 of the submissions do not count toward it. Last evaluated 2023-06-15.

Conditions:
Angelman syndrome (AS). Also called: HAPPY PUPPET SYNDROME. Identifiers: Orphanet 72, MedGen C0162635, MONDO:0007113, OMIM 105830. Disease mechanism: loss of function. Inheritance: AS is caused by disruption of maternally imprinted UBE3A located within the 15q11.2-q13 Angelman syndrome/Prader-Willi syndrome (AS/PWS) region., imprinting disorder.

Allele frequency attached by ClinVar (database versions not stated): gnomAD exomes below 0.00001 and 0.00002; ExAC 0.00001; gnomAD 0.00003; TOPMed 0.00003.
gnomAD v4.1: 11 of 1,614,046 alleles (0.00068%); highest among the groups gnomAD compares: Admixed American, 0.017%; no homozygotes.

Submissions (6):

ClinGen Rett and Angelman-like Disorders Variant Curation Expert Panel
Classification: Likely benign for Angelman syndrome. Last evaluated: 2023-06-15. Review status: reviewed by expert panel. Criteria: ClinGen RettAS ACMG Specifications UBE3A V4.0.0. Collection method: curation. Allele origin: germline. Inheritance: Autosomal dominant inheritance.
Comment: The allele frequency of the c.522A>G p.Ala174= variant in UBE3A (NM_130838.2) is 0.017% in the Latino/Admixed American sub population in gnomAD, which is high enough to meet the BS1 criteria based on thresholds defined by the ClinGen Rett/Angelman-like Expert Panel for Rett/AS-like conditions (BS1). The silent p.Ala174= variant is not predicted to affect splicing using multiple computational tools and does not affect a highly conserved nucleotide (BP4, BP7). In summary, the c.522A>G p.Ala174= variant in UBE3A is classified as Likely Benign based on the ACMG/AMP criteria (BS1, BP4, BP7).

Labcorp Genetics (formerly Invitae), Labcorp
Classification: Likely benign for Angelman syndrome. Last evaluated: 2025-08-04. Review status: criteria provided, single submitter. Criteria: Invitae Variant Classification Sherloc (09022015). Collection method: clinical testing. Allele origin: germline. Not counted in ClinVar's aggregate classification.

Women's Health and Genetics/Laboratory Corporation of America, LabCorp
Classification: Likely benign. Last evaluated: 2024-04-17. Review status: criteria provided, single submitter. Criteria: LabCorp Variant Classification Summary - May 2015. Collection method: clinical testing. Allele origin: germline. Not counted in ClinVar's aggregate classification.

Center for Genomics, Ann and Robert H. Lurie Children's Hospital of Chicago
Classification: Uncertain significance for Angelman syndrome. Last evaluated: 2021-03-30. Review status: criteria provided, single submitter. Criteria: ACMG Guidelines, 2015. Collection method: clinical testing. Allele origin: germline. Not counted in ClinVar's aggregate classification.
Comment: UBE3A NM_130838.1 exon 3 p.Ala174= (c.522A>G): This variant has not been reported in the literature but is present in 4/34418 Latino alleles in the Genome Aggregation Database. This variant is present in ClinVar (Variation ID:500854). Evolutionary conservation and computational predictive tools for this variant are limited or unavailable. Of note, this variant is a silent variant and does not change the amino acid, reducing the probability that this variant is disease causing. In summary, data on this variant is insufficient for disease classification. Therefore, the clinical significance of this variant is uncertain.

Athena Diagnostics
Classification: Likely benign. Last evaluated: 2018-05-01. Review status: criteria provided, single submitter. Criteria: Athena Diagnostics Criteria. Collection method: clinical testing. Allele origin: germline. Not counted in ClinVar's aggregate classification.

Eurofins Ntd Llc (ga)
Classification: Uncertain significance. Last evaluated: 2017-04-03. Review status: criteria provided, single submitter. Criteria: EGL Classification Definitions 2015. Collection method: clinical testing. Allele origin: germline. Observed: 1 variant allele, 1 heterozygote. Not counted in ClinVar's aggregate classification.